The following is an entry in ClinVar:

NM_013382.7(POMT2):c.1754_1755del (p.Thr585fs)

Gene: POMT2 (protein O-mannosyltransferase 2; minus strand). Cytogenetic location: 14q24.3.
Variant type: Microsatellite.
Coding change: c.1754_1755del on transcript NM_013382.7 (MANE Select); coding-DNA positions 1754 to 1755, 2 bases deleted (CA; older notation c.1754_1755delCA).
Protein change: p.Thr585fs; shifts the reading frame from threonine 585.
Molecular consequence: frameshift variant.
Genome position (GRCh38, 1-based): chr14:77,280,051-77,280,052, TG deleted on the plus strand (CA on the coding strand, the reverse complement: POMT2 is on the minus strand); deleting any 2 consecutive bases within chr14:77,280,051-77,280,055 gives the same sequence; the c. name uses the placement nearest the transcript's 3' end. VCF-style (leftmost placement, unchanged base first): chr14-77280050-CTG-C. GRCh37 (hg19) VCF-style: chr14-77746393-CTG-C.
Other names: c.1754_1755delCA (NM_013382.5); short protein forms T585fs.
Identifiers: ClinVar variation 538732 (VCV000538732.9), dbSNP rs1555351894, ClinGen allele CA658798239.

ClinVar aggregate classification (germline): Pathogenic (1 of 4 stars; one submission).

Conditions:
Muscular dystrophy-dystroglycanopathy (congenital with impaired intellectual development), type B, 2. Also called: Muscular dystrophy-dystroglycanopathy (congenital with intellectual disability), type B2; MUSCULAR DYSTROPHY, CONGENITAL, POMT2-RELATED. Identifiers: MedGen C3150416, MONDO:0013160, OMIM 613156.
Autosomal recessive limb-girdle muscular dystrophy type 2N. Also called: Muscular dystrophy-dystroglycanopathy (limb-girdle), type C, 2; MUSCULAR DYSTROPHY-DYSTROGLYCANOPATHY, LIMB-GIRDLE, POMT2-RELATED. Identifiers: Orphanet 206559, MedGen C3150418, MONDO:0013162, OMIM 613158.
Muscular dystrophy-dystroglycanopathy (congenital with brain and eye anomalies), type A2. Also called: MUSCULAR DYSTROPHY-DYSTROGLYCANOPATHY (CONGENITAL WITH BRAIN AND EYE ANOMALIES), TYPE A, 2; WALKER-WARBURG SYNDROME OR MUSCLE-EYE-BRAIN DISEASE, POMT2-RELATED. Identifiers: Orphanet 588, Orphanet 899, MedGen C3150411, MONDO:0013154, OMIM 613150.

Submission:

Labcorp Genetics (formerly Invitae), Labcorp
Classification: Pathogenic for Muscular dystrophy-dystroglycanopathy (congenital with impaired intellectual development), type B, 2; Muscular dystrophy-dystroglycanopathy (congenital with brain and eye anomalies), type A2; Autosomal recessive limb-girdle muscular dystrophy type 2N. Last evaluated: 2023-10-03. Review status: criteria provided, single submitter. Criteria: Invitae Variant Classification Sherloc (09022015). Collection method: clinical testing. Allele origin: germline.
Comment: This sequence change results in a frameshift in the POMT2 gene (p.Thr585Argfs*194). While this is not anticipated to result in nonsense mediated decay, it is expected to disrupt the last 166 amino acid(s) of the POMT2 protein and extend the protein by 27 additional amino acid residues. This variant is not present in population databases (gnomAD no frequency). This variant has not been reported in the literature in individuals affected with POMT2-related conditions. ClinVar contains an entry for this variant (Variation ID: 538732). This variant disrupts a region of the POMT2 protein in which other variant(s) (p.Trp748Arg) have been determined to be pathogenic (PMID: 17634419, 17869517). This suggests that this is a clinically significant region of the protein, and that variants that disrupt it are likely to be disease-causing. For these reasons, this variant has been classified as Pathogenic.

Literature cited by the submitters: PubMed 17634419; PubMed 17869517.